The following is an entry in ClinVar:

ClinVar aggregate classification (germline): Uncertain significance (1 of 4 stars; one submission).

Conditions:
Neutropenia, severe congenital, 2, autosomal dominant. Identifiers: Orphanet 486, MedGen C2751288, MONDO:0013139, OMIM 613107.

Submission:

Labcorp Genetics (formerly Invitae), Labcorp
Classification: Uncertain significance for Neutropenia, severe congenital, 2, autosomal dominant. Last evaluated: 2024-05-04. Review status: criteria provided, single submitter. Criteria: Invitae Variant Classification Sherloc (09022015). Collection method: clinical testing. Allele origin: germline.
Comment: This sequence change replaces arginine, which is basic and polar, with glycine, which is neutral and non-polar, at codon 413 of the GFI1 protein (p.Arg413Gly). This variant is not present in population databases (gnomAD no frequency). This variant has not been reported in the literature in individuals affected with GFI1-related conditions. Advanced modeling of protein sequence and biophysical properties (such as structural, functional, and spatial information, amino acid conservation, physicochemical variation, residue mobility, and thermodynamic stability) performed at Invitae indicates that this missense variant is expected to disrupt GFI1 protein function with a positive predictive value of 80%. In summary, the available evidence is currently insufficient to determine the role of this variant in disease. Therefore, it has been classified as a Variant of Uncertain Significance.

NM_005263.5(GFI1):c.1237A>G (p.Arg413Gly)

Gene: GFI1 (growth factor independent 1 transcriptional repressor; minus strand). Cytogenetic location: 1p22.1.
Variant type: single nucleotide variant.
Coding change: c.1237A>G on transcript NM_005263.5 (MANE Select); coding-DNA position 1237, A replaced by G.
Protein change: p.Arg413Gly; replaces arginine 413 with glycine.
Molecular consequence: missense variant.
Genome position (GRCh38, 1-based): chr1:92,476,061, T>C on the plus strand (A>G on the coding strand, the complement: GFI1 is on the minus strand). VCF-style: chr1-92476061-T-C. GRCh37 (hg19) VCF-style: chr1-92941618-T-C.
Other names: c.1237A>G, p.Arg413Gly (NM_001127215.3, NM_001127216.3); short protein forms R413G.
Identifiers: ClinVar variation 3652130 (VCV003652130.2).
Genomic context (GRCh38, chr1:92,476,061, plus strand): 5'-AGCTGCTGCTTGCAGCCAGCCAGGGTGCTCATTTGAGCCCATGCTGCGTCTCCCGGTGCC[T>C]TCGGAGGTCCACCTTCCTCTGGAAACCCTTCCCACAGAGGTCGCAGCCGAAGGGCTTGAA-3'
Protein context (NP_005254.2, residues 403-422): KGFQRKVDLR[Arg413Gly]HRETQHGLK